The following is an entry in ClinVar:

ClinVar aggregate classification (germline): Pathogenic (1 of 4 stars; one submission).

Conditions:
Sandhoff disease. Also called: HEXOSAMINIDASES A AND B DEFICIENCY; Beta-hexosaminidase-beta-subunit deficiency; GM2 gangliosidosis, type 2; Total hexosaminidase deficiency; Sandhoff-Jatzkewitz-Pilz disease; GM2-GANGLIOSIDOSIS, TYPE II. Identifiers: Orphanet 796, MedGen C0036161, MONDO:0010006, OMIM 268800.

Submission:

Myriad Genetics, Inc.
Classification: Pathogenic for Sandhoff disease. Last evaluated: 2026-06-10. Review status: criteria provided, single submitter. Criteria: Myriad Autosomal Dominant, Autosomal Recessive and X-Linked Classification Criteria (2023). Collection method: clinical testing. Allele origin: unknown.
Comment: NM_000521.3(HEXB):c.850_851insTTTC(R284Lfs*8) is expected to be pathogenic in the context of Sandhoff disease. This variant is predicted to lead to an abnormal or absent protein product due to the creation of a premature termination codon in HEXB, a gene where loss-of-function variants are known to be pathogenic. Please note: this variant was assessed in the context of healthy population screening.

NM_000521.4(HEXB):c.850_851insTTTC (p.Arg284fs)

Gene: HEXB (hexosaminidase subunit beta; plus strand). Cytogenetic location: 5q13.3.
Variant type: Insertion.
Coding change: c.850_851insTTTC on transcript NM_000521.4 (MANE Select); coding-DNA positions 850 to 851, TTTC inserted.
Protein change: p.Arg284fs; shifts the reading frame from arginine 284.
Molecular consequence: frameshift variant.
Genome position: GRCh38 VCF-style: chr5-74713581-A-ATTCT. GRCh37 (hg19) VCF-style: chr5-74009406-A-ATTCT.
Other names: c.175_176insTTTC, p.Arg59fs (NM_001292004.2); short protein forms R284fs, R59fs.
Identifiers: ClinVar variation 5016022 (VCV005016022.1).